The following is an entry in ClinVar:

NM_006118.4(HAX1):c.479G>A (p.Trp160Ter)

Gene: HAX1 (HCLS1 associated protein X-1; plus strand). Cytogenetic location: 1q21.3.
Variant type: single nucleotide variant.
Coding change: c.479G>A on transcript NM_006118.4 (MANE Select); coding-DNA position 479, G replaced by A.
Protein change: p.Trp160Ter; replaces tryptophan 160 with a stop codon.
Molecular consequence: nonsense.
Genome position (GRCh38, 1-based): chr1:154,273,936, G>A. VCF-style: chr1-154273936-G-A. GRCh37 (hg19) VCF-style: chr1-154246412-G-A.
Other names: c.335G>A, p.Trp112Ter (NM_001018837.2); short protein forms W112*, W160*.
Identifiers: ClinVar variation 4815497 (VCV004815497.1).
Genomic context (GRCh38, chr1:154,273,936, plus strand): 5'-TCTTTGGGGGGGTCTTGGAGAGTGATGCAAGAAGTGAATCCCCCCAACCAGCACCAGACT[G>A]GGGCTCCCAGAGGCCATTTCATAGGGTGAGTATCCCATCTGGTCCTGAAGTGAGAGCTTG-3'

ClinVar aggregate classification (germline): Likely pathogenic (1 of 4 stars; one submission).

Conditions:
Kostmann syndrome (SCN3). Also called: KOSTMANN DISEASE; Autosomal recessive severe congenital neutropenia type 3. Identifiers: Orphanet 99749, MedGen C5235141, MONDO:0012548, OMIM 610738.

Submission:

Natera, Inc.
Classification: Likely pathogenic for Autosomal recessive severe congenital neutropenia type 3. Last evaluated: 2025-11-05. Review status: criteria provided, single submitter. Criteria: Natera Variant Classification Schema (03/2026). Collection method: clinical testing. Allele origin: germline.
Comment: The c.479G>A variant in HAX1 is a nonsense variant predicted to introduce a stop codon at amino acid 160. This variant is expected to result in nonsense mediated decay, truncation, or a dysfunctional protein product. This variant is rare in the general population with a frequency below the threshold expected for the associated phenotype(s). Given the available evidence, this variant is classified as Likely Pathogenic.